The following is an entry in ClinVar:

ClinVar aggregate classification (germline): Uncertain significance (1 of 4 stars; one submission).

Allele frequency attached by ClinVar (database versions not stated): gnomAD exomes below 0.00001; gnomAD 0.00001; TOPMed 0.00003.
gnomAD v4.1: 3 of 1,614,058 alleles (0.00019%); highest among the groups gnomAD compares: African/African-American, 0.004%; no homozygotes.

Submission:

Ambry Genetics
Classification: Uncertain significance. Last evaluated: 2022-07-05. Review status: criteria provided, single submitter. Criteria: Ambry Variant Classification Scheme 2023. Collection method: clinical testing. Allele origin: germline.
Comment: The p.T244A variant (also known as c.730A>G), located in coding exon 4 of the MNDA gene, results from an A to G substitution at nucleotide position 730. The threonine at codon 244 is replaced by alanine, an amino acid with similar properties. This amino acid position is conserved. In addition, this alteration is predicted to be tolerated by in silico analysis. Since supporting evidence is limited at this time, the clinical significance of this alteration remains unclear.

NM_002432.3(MNDA):c.730A>G (p.Thr244Ala)

Gene: MNDA (myeloid cell nuclear differentiation antigen; plus strand). Cytogenetic location: 1q23.1.
Variant type: single nucleotide variant.
Coding change: c.730A>G on transcript NM_002432.3 (MANE Select); coding-DNA position 730, A replaced by G.
Protein change: p.Thr244Ala; replaces threonine 244 with alanine.
Molecular consequence: missense variant.
Genome position (GRCh38, 1-based): chr1:158,845,746, A>G. VCF-style: chr1-158845746-A-G. GRCh37 (hg19) VCF-style: chr1-158815536-A-G.
Other names: short protein forms T244A.
Identifiers: ClinVar variation 1758234 (VCV001758234.2), dbSNP rs1558058119, ClinGen allele CA343041283.